The following is an entry in ClinVar:

NM_000110.4(DPYD):c.731A>C (p.Glu244Ala)

Gene: DPYD (dihydropyrimidine dehydrogenase; minus strand). Cytogenetic location: 1p21.3.
Variant type: single nucleotide variant.
Coding change: c.731A>C on transcript NM_000110.4 (MANE Select); coding-DNA position 731, A replaced by C.
Protein change: p.Glu244Ala; replaces glutamic acid 244 with alanine.
Molecular consequence: missense variant.
Genome position (GRCh38, 1-based): chr1:97,691,748, T>G on the plus strand (A>C on the coding strand, the complement: DPYD is on the minus strand). VCF-style: chr1-97691748-T-G. GRCh37 (hg19) VCF-style: chr1-98157304-T-G.
Other names: short protein forms E244A.
Identifiers: ClinVar variation 2581481 (VCV002581481.2), dbSNP rs1185250556, ClinGen allele CA341379249.

ClinVar aggregate classification (germline): Uncertain significance. Review status: criteria provided, multiple submitters, no conflicts (2 of 4 stars). 2 submissions from 2 submitters: Uncertain significance (2). Last evaluated 2023-08-04.

Allele frequency attached by ClinVar (database versions not stated): gnomAD exomes 0.00002.
gnomAD v4.1: 10 of 1,613,784 alleles (0.00062%); highest among the groups gnomAD compares: Non-Finnish European, 0.00085%; no homozygotes.

Submissions (2):

Women's Health and Genetics/Laboratory Corporation of America, LabCorp
Classification: Uncertain significance. Last evaluated: 2023-08-04. Review status: criteria provided, single submitter. Criteria: LabCorp Variant Classification Summary - May 2015. Collection method: clinical testing. Allele origin: germline.
Comment: Variant summary: DPYD c.731A>C (p.Glu244Ala) results in a non-conservative amino acid change located in the FAD/NAD(P)-binding domain (IPR023753) of the encoded protein sequence. Five of five in-silico tools predict a damaging effect of the variant on protein function. The variant allele was found at a frequency of 8e-06 in 251366 control chromosomes (gnomAD). The available data on variant occurrences in the general population are insufficient to allow any conclusion about variant significance. c.731A>C has been reported in the literature in at-least one individual affected with Dihydropyrimidine Dehydrogenase Deficiency (example: Van Kuilenburg_2005). These report(s) do not provide unequivocal conclusions about association of the variant with Dihydropyrimidine Dehydrogenase Deficiency. The following publication has been ascertained in the context of this evaluation (PMID: 15899693). To our knowledge, no experimental evidence demonstrating an impact on protein function has been reported. No submitters have cited clinical-significance assessments for this variant to ClinVar after 2014. Based on the evidence outlined above, the variant was classified as uncertain significance.

Blueprint Genetics
Classification: Uncertain significance. Last evaluated: 2018-03-23. Review status: criteria provided, single submitter. Criteria: ACMG Guidelines, 2015. Collection method: clinical testing. Allele origin: germline.

Literature cited by the submitters: PubMed 15899693 (cited by Women's Health and Genetics/Laboratory Corporation of America, LabCorp).